The following is an entry in ClinVar:

NM_005639.3(SYT1):c.700C>T (p.Arg234Cys)

Gene: SYT1 (synaptotagmin 1; plus strand). Cytogenetic location: 12q21.2.
Variant type: single nucleotide variant.
Coding change: c.700C>T on transcript NM_005639.3 (MANE Select); coding-DNA position 700, C replaced by T.
Protein change: p.Arg234Cys; replaces arginine 234 with cysteine.
Molecular consequence: missense variant.
Genome position (GRCh38, 1-based): chr12:79,299,441, C>T. VCF-style: chr12-79299441-C-T. GRCh37 (hg19) VCF-style: chr12-79693221-C-T.
Other names: c.700C>T, p.Arg234Cys (NM_001135805.2, NM_001135806.2, NM_001415938.1 and 2 more transcripts); c.691C>T, p.Arg231Cys (NM_001291901.2, NM_001415941.1, NM_001415942.1 and 1 more transcripts); short protein forms R231C, R234C.
Identifiers: ClinVar variation 3766221 (VCV003766221.1).

ClinVar aggregate classification (germline): Uncertain significance (1 of 4 stars; one submission).

Submission:

GeneDx
Classification: Uncertain significance. Last evaluated: 2024-08-25. Review status: criteria provided, single submitter. Criteria: GeneDx Variant Classification Process June 2021. Collection method: clinical testing. Allele origin: germline. Affected: yes.
Comment: In silico analysis supports that this missense variant has a deleterious effect on protein structure/function; Not observed at significant frequency in large population cohorts (gnomAD); Has not been previously published as pathogenic or benign to our knowledge